The following is an entry in ClinVar:

NM_001267550.2(TTN):c.97578C>T (p.Asp32526=)

Genes: TTN (titin; minus strand), TTN-AS1 (TTN antisense RNA 1; plus strand). Cytogenetic location: 2q31.2.
Variant type: single nucleotide variant.
Coding change: c.97578C>T on transcript NM_001267550.2 (MANE Select); coding-DNA position 97578, C replaced by T.
Protein change: p.Asp32526=; no amino-acid change (aspartic acid 32526 retained).
Molecular consequence: synonymous variant.
Genome position (GRCh38, 1-based): chr2:178,541,499, G>A on the plus strand (C>T on the coding strand, the complement: TTN is on the minus strand). VCF-style: chr2-178541499-G-A. GRCh37 (hg19) VCF-style: chr2-179406226-G-A.
Other names: c.92655C>T, p.Asp30885= (NM_001256850.1); c.70383C>T, p.Asp23461= (NM_003319.4); c.89874C>T, p.Asp29958= (NM_133378.4); c.70758C>T, p.Asp23586= (NM_133432.3); c.70959C>T, p.Asp23653= (NM_133437.4).
Identifiers: ClinVar variation 130684 (VCV000130684.33), dbSNP rs142907833, ClinGen allele CA155886.

ClinVar aggregate classification (germline): Benign/Likely benign. Review status: criteria provided, multiple submitters, no conflicts (2 of 4 stars). 13 submissions from 10 submitters: Benign (8); Likely benign (4). 1 of the submissions does not count toward it. Last evaluated 2026-01-27.

Conditions:
Cardiovascular phenotype. Identifiers: MedGen CN230736.
TTN-related disorder. Also called: TTN-related disorders; TTN-related condition; TTN-related disease.
Dilated cardiomyopathy 1G (CMD1G). Identifiers: Orphanet 154, MedGen C1858763, MONDO:0011400, OMIM 604145.
Autosomal recessive limb-girdle muscular dystrophy type 2J (LGMDR10). Also called: Limb-girdle muscular dystrophy, type 2J; MUSCULAR DYSTROPHY, LIMB-GIRDLE, AUTOSOMAL RECESSIVE 10. Identifiers: Orphanet 140922, MedGen C1837342, MONDO:0012127, OMIM 608807.
Early-onset myopathy with fatal cardiomyopathy (CMYO5). Also called: Salih Myopathy; CONGENITAL MYOPATHY 5 WITH CARDIOMYOPATHY. Identifiers: Orphanet 289377, MedGen C2673677, MONDO:0012714, OMIM 611705. Disease mechanism: loss of function.
Tibial muscular dystrophy (TMD). Also called: UDD MYOPATHY; Tibial muscular dystrophy, tardive; Udd Distal Myopathy – Tibial Muscular Dystrophy. Identifiers: Orphanet 609, MedGen C1838244, MONDO:0010870, OMIM 600334.
Myopathy, myofibrillar, 9, with early respiratory failure (MFM9). Also called: MYOPATHY, PROXIMAL, WITH EARLY RESPIRATORY MUSCLE INVOLVEMENT; EDSTROM MYOPATHY; Hereditary myopathy with early respiratory failure; Myopathy, distal, with early respiratory failure, autosomal dominant. Identifiers: Orphanet 178464, Orphanet 34521, MedGen C1863599, MONDO:0011362, OMIM 603689.

Allele frequency attached by ClinVar (database versions not stated): gnomAD 0.00019; ESP Exome Variant Server 0.00041; 1000 Genomes Project 30x 0.00062; TOPMed 0.00032; 1000 Genomes Project 0.00080; ExAC 0.00014.
gnomAD v4.1: 97 of 1,613,300 alleles (0.006%); highest among the groups gnomAD compares: African/African-American, 0.11%; no homozygotes.

Submissions (13):

Labcorp Genetics (formerly Invitae), Labcorp
Classification: Benign for Dilated cardiomyopathy 1G; Autosomal recessive limb-girdle muscular dystrophy type 2J. Last evaluated: 2026-01-27. Review status: criteria provided, single submitter. Criteria: Invitae Variant Classification Sherloc (09022015). Collection method: clinical testing. Allele origin: germline.

Women's Health and Genetics/Laboratory Corporation of America, LabCorp
Classification: Likely benign. Last evaluated: 2025-11-04. Review status: criteria provided, single submitter. Criteria: LabCorp Variant Classification Summary - May 2015. Collection method: clinical testing. Allele origin: germline.

Molecular Diagnostic Laboratory for Inherited Cardiovascular Disease, Montreal Heart Institute
Classification: Likely benign. Last evaluated: 2025-04-09. Review status: criteria provided, single submitter. Criteria: ACMG Guidelines, 2015. Collection method: clinical testing. Allele origin: germline. Affected: no.
Comment: BP6;BP7

Genome-Nilou Lab
Classification: Benign for Autosomal recessive limb-girdle muscular dystrophy type 2J. Last evaluated: 2021-09-10. Review status: criteria provided, single submitter. Criteria: ACMG Guidelines, 2015. Collection method: clinical testing. Allele origin: germline. Affected: no.

Genome-Nilou Lab
Classification: Benign for Myopathy, myofibrillar, 9, with early respiratory failure. Last evaluated: 2021-09-10. Review status: criteria provided, single submitter. Criteria: ACMG Guidelines, 2015. Collection method: clinical testing. Allele origin: germline. Affected: no.

Genome-Nilou Lab
Classification: Benign for Early-onset myopathy with fatal cardiomyopathy. Last evaluated: 2021-09-10. Review status: criteria provided, single submitter. Criteria: ACMG Guidelines, 2015. Collection method: clinical testing. Allele origin: germline. Affected: no.

Genome-Nilou Lab
Classification: Benign for Tibial muscular dystrophy. Last evaluated: 2021-09-10. Review status: criteria provided, single submitter. Criteria: ACMG Guidelines, 2015. Collection method: clinical testing. Allele origin: germline. Affected: no.

ARUP Laboratories, Molecular Genetics and Genomics, ARUP Laboratories
Classification: Likely benign. Last evaluated: 2021-01-20. Review status: criteria provided, single submitter. Criteria: ARUP Molecular Germline Variant Investigation Process 2021. Collection method: clinical testing. Allele origin: germline.

GeneDx
Classification: Likely benign. Last evaluated: 2020-03-31. Review status: criteria provided, single submitter. Criteria: GeneDx Variant Classification Process June 2021. Collection method: clinical testing. Allele origin: germline. Affected: yes.

Ambry Genetics
Classification: Benign for Cardiovascular phenotype. Last evaluated: 2020-01-31. Review status: criteria provided, single submitter. Criteria: Ambry Variant Classification Scheme 2023. Collection method: clinical testing. Allele origin: germline.

Athena Diagnostics
Classification: Benign. Last evaluated: 2018-11-14. Review status: criteria provided, single submitter. Criteria: Athena Diagnostics Criteria. Collection method: clinical testing. Allele origin: germline.

Genetic Services Laboratory, University of Chicago
Classification: Benign for AllHighlyPenetrant. Last evaluated: 2013-12-04. Review status: criteria provided, single submitter. Criteria: ACMG Guidelines, 2007. Collection method: clinical testing. Allele origin: germline.

PreventionGenetics, part of Exact Sciences
Classification: Likely benign for TTN-related condition. Last evaluated: 2019-08-21. Review status: no assertion criteria provided. Collection method: clinical testing. Allele origin: germline. Not counted in ClinVar's aggregate classification.
Comment: This variant is classified as likely benign based on ACMG/AMP sequence variant interpretation guidelines (Richards et al. 2015 PMID: 25741868, with internal and published modifications).